The following is an entry in ClinVar:

ClinVar aggregate classification (germline): Uncertain significance (1 of 4 stars; one submission).

Conditions:
Amelocerebrohypohidrotic syndrome (KTZS). Also called: EPILEPSY AND YELLOW TEETH; EPILEPSY, DEMENTIA, AND AMELOGENESIS IMPERFECTA; KOHLSCHUTTER SYNDROME; Kohlschutter's syndrome. Identifiers: Orphanet 1946, MedGen C0406740, MONDO:0009185, OMIM 226750.

Allele frequency attached by ClinVar (database versions not stated): gnomAD exomes below 0.00001.
gnomAD v4.1: 5 of 1,571,914 alleles (0.00032%); highest among the groups gnomAD compares: Admixed American, 0.0037%; no homozygotes.

Submission:

Labcorp Genetics (formerly Invitae), Labcorp
Classification: Uncertain significance for Amelocerebrohypohidrotic syndrome. Last evaluated: 2025-07-21. Review status: criteria provided, single submitter. Criteria: Invitae Variant Classification Sherloc (09022015). Collection method: clinical testing. Allele origin: germline.
Comment: This sequence change replaces leucine, which is neutral and non-polar, with valine, which is neutral and non-polar, at codon 38 of the ROGDI protein (p.Leu38Val). This variant is not present in population databases (gnomAD no frequency). This variant has not been reported in the literature in individuals affected with ROGDI-related conditions. ClinVar contains an entry for this variant (Variation ID: 2072501). An algorithm developed to predict the effect of missense changes on protein structure and function (PolyPhen-2) suggests that this variant is likely to be disruptive. In summary, the available evidence is currently insufficient to determine the role of this variant in disease. Therefore, it has been classified as a Variant of Uncertain Significance.

NM_024589.3(ROGDI):c.112C>G (p.Leu38Val)

Gene: ROGDI (rogdi atypical leucine zipper; minus strand). Cytogenetic location: 16p13.3.
Variant type: single nucleotide variant.
Coding change: c.112C>G on transcript NM_024589.3 (MANE Select); coding-DNA position 112, C replaced by G.
Protein change: p.Leu38Val; replaces leucine 38 with valine.
Molecular consequence: missense variant. On other transcripts: non-coding transcript variant (1).
Genome position (GRCh38, 1-based): chr16:4,802,387, G>C on the plus strand (C>G on the coding strand, the complement: ROGDI is on the minus strand). VCF-style: chr16-4802387-G-C. GRCh37 (hg19) VCF-style: chr16-4852388-G-C.
Other names: short protein forms L38V.
Identifiers: ClinVar variation 2072501 (VCV002072501.2), dbSNP rs2082742492, ClinGen allele CA394656509.
Genomic context (GRCh38, chr16:4,802,387, plus strand): 5'-GGGAAATGAGGAGGGAGGGCCGCCACGCCCGGCGGGGCAGGGCGCGGGTCGTTACCTTGA[G>C]GATGTCCTGCAGCTGCTTCAACACAGCGTGCACCTCGTCGTGCAGCAGCCAGCGGAACTC-3'
Protein context (NP_078865.1, residues 28-48): HAVLKQLQDI[Leu38Val]KEASLRFTLP